The following is an entry in ClinVar:

ClinVar aggregate classification (germline): Uncertain significance (1 of 4 stars; one submission).

Allele frequency attached by ClinVar (database versions not stated): gnomAD exomes below 0.00001; gnomAD 0.00001; TOPMed 0.00001.
gnomAD v4.1: 4 of 1,594,344 alleles (0.00025%); highest among the groups gnomAD compares: Non-Finnish European, 0.00034%; no homozygotes.

Submission:

Labcorp Genetics (formerly Invitae), Labcorp
Classification: Uncertain significance. Last evaluated: 2021-02-18. Review status: criteria provided, single submitter. Criteria: Invitae Variant Classification Sherloc (09022015). Collection method: clinical testing. Allele origin: germline.
Comment: This variant is not present in population databases (ExAC no frequency). This sequence change replaces histidine with leucine at codon 1246 of the INPPL1 protein (p.His1246Leu). The histidine residue is moderately conserved and there is a moderate physicochemical difference between histidine and leucine. This variant has not been reported in the literature in individuals with INPPL1-related conditions. Algorithms developed to predict the effect of missense changes on protein structure and function are either unavailable or do not agree on the potential impact of this missense change (SIFT: "Deleterious"; PolyPhen-2: "Not Available"; Align-GVGD: "Class C0"). In summary, the available evidence is currently insufficient to determine the role of this variant in disease. Therefore, it has been classified as a Variant of Uncertain Significance.

NM_001567.4(INPPL1):c.3737A>T (p.His1246Leu)

Gene: INPPL1 (inositol polyphosphate phosphatase like 1; plus strand). Cytogenetic location: 11q13.4.
Variant type: single nucleotide variant.
Coding change: c.3737A>T on transcript NM_001567.4 (MANE Select); coding-DNA position 3737, A replaced by T.
Protein change: p.His1246Leu; replaces histidine 1246 with leucine.
Molecular consequence: missense variant.
Genome position (GRCh38, 1-based): chr11:72,238,313, A>T. VCF-style: chr11-72238313-A-T. GRCh37 (hg19) VCF-style: chr11-71949357-A-T.
Other names: short protein forms H1246L.
Identifiers: ClinVar variation 1349532 (VCV001349532.8), dbSNP rs1420528415, ClinGen allele CA381740717.